The following is an entry in ClinVar:

NM_001123385.2(BCOR):c.1350A>T (p.Val450=)

Genes: BCOR (BCL6 corepressor; minus strand), LOC126863239 (MED14-independent group 3 enhancer GRCh37_chrX:39932994-39934193; plus strand). Cytogenetic location: Xp11.4.
Variant type: single nucleotide variant.
Coding change: c.1350A>T on transcript NM_001123385.2 (MANE Select); coding-DNA position 1350, A replaced by T.
Protein change: p.Val450=; no amino-acid change (valine 450 retained).
Molecular consequence: synonymous variant.
Genome position (GRCh38, 1-based): chrX:40,073,996, T>A on the plus strand (A>T on the coding strand, the complement: BCOR is on the minus strand). VCF-style: chrX-40073996-T-A. GRCh37 (hg19) VCF-style: chrX-39933249-T-A.
Other names: c.1350A>T, p.Val450= (NM_001123383.2, NM_001123384.2, NM_001437510.1 and 4 more transcripts).
Identifiers: ClinVar variation 4822477 (VCV004822477.4).
Genomic context (GRCh38, chrX:40,073,996, plus strand): 5'-CCTGCTGTGAACCAGGACCGTGGGAGCCATCTTTTTCATGTGGTCAGCTTTGGAAGCATC[T>A]ACATCCACCACTTTAGAAGACAAGTCTAGTGGCTTATCTGTGACGTCTTTGGTAACGGTC-3'
Protein context (NP_001116857.1, residues 440-460): PLDLSSKVVD[Val450=]DASKADHMKK

ClinVar aggregate classification (germline): Likely benign (1 of 4 stars; one submission).

gnomAD v4.1: 1 of 1,212,386 alleles (0.000082%); highest among the groups gnomAD compares: Non-Finnish European, 0.00011%; no homozygotes.

Submission:

CeGaT Center for Human Genetics Tuebingen
Classification: Likely benign. Last evaluated: 2026-02-01. Review status: criteria provided, single submitter. Criteria: CeGaT Center For Human Genetics Tuebingen Variant Classification Criteria Version 2. Collection method: clinical testing. Allele origin: germline. Affected: yes. Observed: 1 variant allele.
Comment: BCOR: BP4, BP7